The following is an entry in ClinVar:

NM_001267550.2(TTN):c.156C>T (p.Pro52=)

Gene: TTN (titin; minus strand). Cytogenetic location: 2q31.2.
Variant type: single nucleotide variant.
Coding change: c.156C>T on transcript NM_001267550.2 (MANE Select); coding-DNA position 156, C replaced by T.
Protein change: p.Pro52=; no amino-acid change (proline 52 retained).
Molecular consequence: synonymous variant.
Genome position (GRCh38, 1-based): chr2:178,802,277, G>A on the plus strand (C>T on the coding strand, the complement: TTN is on the minus strand). VCF-style: chr2-178802277-G-A. GRCh37 (hg19) VCF-style: chr2-179667004-G-A.
Other names: p.P52P:CCC>CCT; c.156C>T, p.Pro52= (NM_003319.4, NM_133379.5, NM_133432.3 and 3 more transcripts).
Identifiers: ClinVar variation 166360 (VCV000166360.61), dbSNP rs72647842, ClinGen allele CA295560.

ClinVar aggregate classification (germline): Conflicting classifications of pathogenicity. Review status: criteria provided, conflicting classifications (1 of 4 stars). 11 submissions from 11 submitters: Uncertain significance (2); Benign (2); Likely benign (7). Last evaluated 2026-02-01.

Conditions:
Cardiovascular phenotype. Identifiers: MedGen CN230736.
Dilated cardiomyopathy 1G (CMD1G). Identifiers: Orphanet 154, MedGen C1858763, MONDO:0011400, OMIM 604145.
Autosomal recessive limb-girdle muscular dystrophy type 2J (LGMDR10). Also called: Limb-girdle muscular dystrophy, type 2J; MUSCULAR DYSTROPHY, LIMB-GIRDLE, AUTOSOMAL RECESSIVE 10. Identifiers: Orphanet 140922, MedGen C1837342, MONDO:0012127, OMIM 608807.
Cardiomyopathy (CMYO). Also called: Cardiomyopathies. Identifiers: Orphanet 167848, MedGen C0878544, MONDO:0004994, HP:0001638. Inheritance: Various modes of inheritance.

Allele frequency attached by ClinVar (database versions not stated): TOPMed 0.00029; 1000 Genomes Project 30x 0.00031; ESP Exome Variant Server 0.00031; gnomAD 0.00032; 1000 Genomes Project 0.00040.
gnomAD v4.1: 272 of 1,614,120 alleles (0.017%); highest among the groups gnomAD compares: Middle Eastern, 0.18%; no homozygotes.

Submissions (11):

Labcorp Genetics (formerly Invitae), Labcorp
Classification: Likely benign for Dilated cardiomyopathy 1G; Autosomal recessive limb-girdle muscular dystrophy type 2J. Last evaluated: 2026-02-01. Review status: criteria provided, single submitter. Criteria: Invitae Variant Classification Sherloc (09022015). Collection method: clinical testing. Allele origin: germline.

Molecular Diagnostic Laboratory for Inherited Cardiovascular Disease, Montreal Heart Institute
Classification: Likely benign. Last evaluated: 2025-04-09. Review status: criteria provided, single submitter. Criteria: ACMG Guidelines, 2015. Collection method: clinical testing. Allele origin: germline. Affected: no.

Blueprint Genetics
Classification: Likely benign. Last evaluated: 2024-11-07. Review status: criteria provided, single submitter. Criteria: ACMG Guidelines, 2015. Collection method: clinical testing. Allele origin: germline.

CeGaT Center for Human Genetics Tuebingen
Classification: Uncertain significance. Last evaluated: 2024-02-01. Review status: criteria provided, single submitter. Criteria: CeGaT Center For Human Genetics Tuebingen Variant Classification Criteria Version 2. Collection method: clinical testing. Allele origin: germline. Affected: yes. Observed: 1 variant allele.
Comment: TTN: PM2, BP4

Women's Health and Genetics/Laboratory Corporation of America, LabCorp
Classification: Likely benign. Last evaluated: 2022-08-06. Review status: criteria provided, single submitter. Criteria: LabCorp Variant Classification Summary - May 2015. Collection method: clinical testing. Allele origin: germline.

CHEO Genetics Diagnostic Laboratory, Children's Hospital of Eastern Ontario
Classification: Likely benign for Cardiomyopathy. Last evaluated: 2021-01-20. Review status: criteria provided, single submitter. Criteria: ACMG Guidelines, 2015. Collection method: clinical testing. Allele origin: germline. Study: Canadian Open Genetics Repository.

Ambry Genetics
Classification: Likely benign for Cardiovascular phenotype. Last evaluated: 2019-09-27. Review status: criteria provided, single submitter. Criteria: Ambry Variant Classification Scheme 2023. Collection method: clinical testing. Allele origin: germline.

Laboratory for Molecular Medicine, Mass General Brigham Personalized Medicine
Classification: Likely benign. Last evaluated: 2017-07-10. Review status: criteria provided, single submitter. Criteria: LMM Criteria. Collection method: clinical testing. Allele origin: germline. Observed: 2 variant alleles.
Comment: p.Pro52Pro in exon 3 of TTN: This variant is not expected to have clinical signi ficance because it does not alter an amino acid residue and is not located withi n the splice consensus sequence. This variant has been identified in 18/24036 of African chromosomes by the Genome Aggregation Database (gnomAD; dbSNP rs72647842).

Athena Diagnostics
Classification: Benign. Last evaluated: 2017-02-07. Review status: criteria provided, single submitter. Criteria: Athena Diagnostics Criteria. Collection method: clinical testing. Allele origin: germline.

Eurofins Ntd Llc (ga)
Classification: Uncertain significance. Last evaluated: 2016-10-10. Review status: criteria provided, single submitter. Criteria: EGL Classification Definitions 2015. Collection method: clinical testing. Allele origin: germline. Observed: 2 variant alleles, 2 heterozygotes.

GeneDx
Classification: Benign. Last evaluated: 2014-07-02. Review status: criteria provided, single submitter. Criteria: GeneDx Variant Classification (06012015). Collection method: clinical testing. Allele origin: germline. Affected: yes.
Comment: This variant is considered likely benign or benign based on one or more of the following criteria: it is a conservative change, it occurs at a poorly conserved position in the protein, it is predicted to be benign by multiple in silico algorithms, and/or has population frequency not consistent with disease.